The following is an entry in ClinVar:

NM_003000.3(SDHB):c.540+8G>A

Gene: SDHB (succinate dehydrogenase complex iron sulfur subunit B; minus strand). Cytogenetic location: 1p36.13.
Variant type: single nucleotide variant.
Coding change: c.540+8G>A on transcript NM_003000.3 (MANE Select); 8 bases into the intron after coding-DNA position 540, G replaced by A.
Molecular consequence: intron variant.
Genome position (GRCh38, 1-based): chr1:17,027,741, C>T on the plus strand (G>A on the coding strand, the complement: SDHB is on the minus strand). VCF-style: chr1-17027741-C-T. GRCh37 (hg19) VCF-style: chr1-17354236-C-T.
Identifiers: ClinVar variation 1141287 (VCV001141287.8), dbSNP rs2077999169, ClinGen allele CA2499214299.

ClinVar aggregate classification (germline): Likely benign. Review status: criteria provided, multiple submitters, no conflicts (2 of 4 stars). 2 submissions from 2 submitters: Likely benign (2). Last evaluated 2025-12-28.

Conditions:
Pheochromocytoma. Also called: MAX-Related Hereditary Paraganglioma-Pheochromocytoma Syndrome. Identifiers: Orphanet 29072, MedGen C0031511, MONDO:0008233, OMIM 171300, HP:0002666.
Pheochromocytoma/paraganglioma syndrome 4. Also called: CAROTID BODY TUMORS AND MULTIPLE EXTRAADRENAL PHEOCHROMOCYTOMAS; PARAGANGLIOMA, FAMILIAL MALIGNANT; PARAGANGLIOMAS, HEREDITARY EXTRAADRENAL; PHEOCHROMOCYTOMA, FAMILIAL EXTRAADRENAL; Paragangliomas 4; SDHB-Related Hereditary Paraganglioma-Pheochromocytoma Syndrome (Paragangliomas 4). Identifiers: Orphanet 29072, MedGen C1861848, MONDO:0007273, OMIM 115310.
Gastrointestinal stromal tumor. Also called: Gastrointestinal stroma tumor; Gastrointestinal stromal tumor, somatic. Identifiers: Orphanet 44890, MedGen C0238198, MeSH D046152, MONDO:0011719, OMIM 606764, HP:0100723.

Allele frequency attached by ClinVar (database versions not stated): gnomAD exomes below 0.00001.
gnomAD v4.1: 1 of 1,455,324 alleles (0.000069%); highest among the groups gnomAD compares: East Asian, 0.0023%; no homozygotes.

Submissions (2):

Labcorp Genetics (formerly Invitae), Labcorp
Classification: Likely benign for Gastrointestinal stromal tumor; Pheochromocytoma/paraganglioma syndrome 4; Pheochromocytoma. Last evaluated: 2025-12-28. Review status: criteria provided, single submitter. Criteria: Invitae Variant Classification Sherloc (09022015). Collection method: clinical testing. Allele origin: germline.

Myriad Genetics, Inc.
Classification: Likely benign for Pheochromocytoma/paraganglioma syndrome 4. Last evaluated: 2025-03-13. Review status: criteria provided, single submitter. Criteria: Myriad Autosomal Dominant, Autosomal Recessive and X-Linked Classification Criteria (2023). Collection method: clinical testing. Allele origin: unknown.
Comment: This variant is considered likely benign. This variant is intronic and is not expected to impact mRNA splicing.